The following is an entry in ClinVar:

ClinVar aggregate classification (germline): Likely benign. Review status: criteria provided, multiple submitters, no conflicts (2 of 4 stars). 2 submissions from 2 submitters: Likely benign (2). Last evaluated 2025-04-23.

Conditions:
Early-infantile DEE. Also called: Ohtahara syndrome; Early infantile epileptic encephalopathy with suppression bursts; Early infantile epileptic encephalopathy. Identifiers: Orphanet 1934, MedGen C0393706, MONDO:0800491.

Allele frequency attached by ClinVar (database versions not stated): gnomAD exomes below 0.00001 and 0.00002; TOPMed 0.00003.
gnomAD v4.1: 27 of 1,614,176 alleles (0.0017%); highest among the groups gnomAD compares: Non-Finnish European, 0.0023%; no homozygotes.

Submissions (2):

Labcorp Genetics (formerly Invitae), Labcorp
Classification: Likely benign for Early-infantile DEE. Last evaluated: 2025-04-23. Review status: criteria provided, single submitter. Criteria: Invitae Variant Classification Sherloc (09022015). Collection method: clinical testing. Allele origin: germline.

CeGaT Center for Human Genetics Tuebingen
Classification: Likely benign. Last evaluated: 2024-03-01. Review status: criteria provided, single submitter. Criteria: CeGaT Center For Human Genetics Tuebingen Variant Classification Criteria Version 2. Collection method: clinical testing. Allele origin: germline. Affected: yes. Observed: 1 variant allele.
Comment: SPTAN1: BP4

NM_001130438.3(SPTAN1):c.852C>T (p.Gly284=)

Gene: SPTAN1 (spectrin alpha, non-erythrocytic 1; plus strand). Cytogenetic location: 9q34.11.
Variant type: single nucleotide variant.
Coding change: c.852C>T on transcript NM_001130438.3 (MANE Select); coding-DNA position 852, C replaced by T.
Protein change: p.Gly284=; no amino-acid change (glycine 284 retained).
Molecular consequence: synonymous variant.
Genome position (GRCh38, 1-based): chr9:128,577,195, C>T. VCF-style: chr9-128577195-C-T. GRCh37 (hg19) VCF-style: chr9-131339474-C-T.
Other names: c.852C>T, p.Gly284= (NM_001195532.2, NM_001363759.2, NM_001363765.2 and 5 more transcripts); c.888C>T, p.Gly296= (NM_001375312.2, NM_001375318.1).
Identifiers: ClinVar variation 1559994 (VCV001559994.31), dbSNP rs1454898745, ClinGen allele CA467484135.